The following is an entry in ClinVar:

ClinVar aggregate classification (germline): Uncertain significance. Review status: criteria provided, multiple submitters, no conflicts (2 of 4 stars). 7 submissions from 3 submitters: Uncertain significance (7). Last evaluated 2023-04-11.

Conditions:
Encephalopathy due to GLUT1 deficiency. Also called: GLUCOSE TRANSPORT DEFECT, BLOOD-BRAIN BARRIER; GLUT1 deficiency syndrome 1, infantile onset, severe; De Vivo disease; Classic Glucose Transporter Type 1 Deficiency Syndrome; GLUT1 deficiency syndrome 1; Glucose transporter protein syndrome. Identifiers: Orphanet 71277, MedGen C4551966, MONDO:0011724, OMIM 606777.
GLUT1 deficiency syndrome 1, autosomal recessive. Identifiers: MedGen C3149117.
Childhood onset GLUT1 deficiency syndrome 2. Also called: PxMD-SLC2A1; PAROXYSMAL EXERCISE-INDUCED DYSKINESIA WITH OR WITHOUT EPILEPSY AND/OR HEMOLYTIC ANEMIA; PAROXYSMAL EXERTION-INDUCED DYSTONIA WITH OR WITHOUT EPILEPSY AND/OR HEMOLYTIC ANEMIA; PED WITH OR WITHOUT EPILEPSY AND/OR HEMOLYTIC ANEMIA; Exertion-induced paroxysmal dyskinesia; Paroxysmal exercise-induced dystonia. Identifiers: Orphanet 98811, MedGen C1842534, MONDO:0012805, OMIM 612126.
Hereditary cryohydrocytosis with reduced stomatin. Also called: Stomatin-deficient cryohydrocytosis with neurologic defects; GLUT1 DEFICIENCY SYNDROME WITH PSEUDOHYPERKALEMIA AND HEMOLYSIS. Identifiers: Orphanet 168577, MedGen C1837206, MONDO:0012143, OMIM 608885.
Dystonia 9 (DYT9). Also called: CHOREOATHETOSIS, KINESIGENIC, WITH EPISODIC ATAXIA AND SPASTICITY. Identifiers: Orphanet 53583, MedGen C1832855, MONDO:0010983, OMIM 601042.
Epilepsy, idiopathic generalized, susceptibility to, 12 (EIG12). Identifiers: MedGen C3553859, MONDO:0013919, OMIM 614847.

Submissions (7):

Genome-Nilou Lab
Classification: Uncertain significance for Epilepsy, idiopathic generalized, susceptibility to, 12. Last evaluated: 2023-04-11. Review status: criteria provided, single submitter. Criteria: ACMG Guidelines, 2015. Collection method: clinical testing. Allele origin: germline. Affected: no.

Genome-Nilou Lab
Classification: Uncertain significance for Dystonia 9. Last evaluated: 2023-04-11. Review status: criteria provided, single submitter. Criteria: ACMG Guidelines, 2015. Collection method: clinical testing. Allele origin: germline. Affected: no.

Genome-Nilou Lab
Classification: Uncertain significance for Encephalopathy due to GLUT1 deficiency. Last evaluated: 2023-04-11. Review status: criteria provided, single submitter. Criteria: ACMG Guidelines, 2015. Collection method: clinical testing. Allele origin: germline. Affected: no.

Genome-Nilou Lab
Classification: Uncertain significance for Childhood onset GLUT1 deficiency syndrome 2. Last evaluated: 2023-04-11. Review status: criteria provided, single submitter. Criteria: ACMG Guidelines, 2015. Collection method: clinical testing. Allele origin: germline. Affected: no.

Genome-Nilou Lab
Classification: Uncertain significance for Hereditary cryohydrocytosis with reduced stomatin. Last evaluated: 2023-04-11. Review status: criteria provided, single submitter. Criteria: ACMG Guidelines, 2015. Collection method: clinical testing. Allele origin: germline. Affected: no.

Labcorp Genetics (formerly Invitae), Labcorp
Classification: Uncertain significance for GLUT1 deficiency syndrome 1, autosomal recessive. Last evaluated: 2022-03-19. Review status: criteria provided, single submitter. Criteria: Invitae Variant Classification Sherloc (09022015). Collection method: clinical testing. Allele origin: germline.
Comment: In summary, the available evidence is currently insufficient to determine the role of this variant in disease. Therefore, it has been classified as a Variant of Uncertain Significance. Advanced modeling of protein sequence and biophysical properties (such as structural, functional, and spatial information, amino acid conservation, physicochemical variation, residue mobility, and thermodynamic stability) performed at Invitae indicates that this missense variant is not expected to disrupt SLC2A1 protein function. ClinVar contains an entry for this variant (Variation ID: 429618). This variant has not been reported in the literature in individuals affected with SLC2A1-related conditions. This variant is not present in population databases (gnomAD no frequency). This sequence change replaces valine, which is neutral and non-polar, with leucine, which is neutral and non-polar, at codon 105 of the SLC2A1 protein (p.Val105Leu).

GeneDx
Classification: Uncertain significance. Last evaluated: 2017-05-08. Review status: criteria provided, single submitter. Criteria: GeneDx Variant Classification (06012015). Collection method: clinical testing. Allele origin: germline. Affected: yes.
Comment: A variant of uncertain significance has been identified in the SLC2A1 gene. The V105L variant has not been published as a pathogenic variant, nor has it been reported as a benign variant to our knowledge. The V105L variant is not observed in large population cohorts (Lek et al., 2016; 1000 Genomes Consortium et al., 2015; Exome Variant Server). The V105L variant is a conservative amino acid substitution, which is not likely to impact secondary protein structure as these residues share similar properties. This substitution occurs at a position where amino acids with similar properties to Valine are tolerated across species and in silico analysis predicts this variant likely does not alter the protein structure/function. Based on the currently available information, it is unclear whether this variant is a pathogenic variant or a rare benign variant.

NM_006516.4(SLC2A1):c.313G>C (p.Val105Leu)

Gene: SLC2A1 (solute carrier family 2 member 1; minus strand). Cytogenetic location: 1p34.2.
Variant type: single nucleotide variant.
Coding change: c.313G>C on transcript NM_006516.4 (MANE Select); coding-DNA position 313, G replaced by C.
Protein change: p.Val105Leu; replaces valine 105 with leucine.
Molecular consequence: missense variant.
Genome position (GRCh38, 1-based): chr1:42,930,829, C>G on the plus strand (G>C on the coding strand, the complement: SLC2A1 is on the minus strand). VCF-style: chr1-42930829-C-G. GRCh37 (hg19) VCF-style: chr1-43396500-C-G.
Other names: short protein forms V105L.
Identifiers: ClinVar variation 429618 (VCV000429618.7), dbSNP rs577667739, ClinGen allele CA339961288.